The following is an entry in ClinVar:

ClinVar aggregate classification (germline): Uncertain significance (1 of 4 stars; one submission).

Submission:

Ambry Genetics
Classification: Uncertain significance. Last evaluated: 2024-11-12. Review status: criteria provided, single submitter. Criteria: Ambry Variant Classification Scheme 2023. Collection method: clinical testing. Allele origin: germline.
Comment: The p.I846T variant (also known as c.2537T>C), located in coding exon 23 of the PRKDC gene, results from a T to C substitution at nucleotide position 2537. The isoleucine at codon 846 is replaced by threonine, an amino acid with similar properties. This amino acid position is conserved. In addition, this alteration is predicted to be tolerated by in silico analysis. Based on the available evidence, the clinical significance of this variant remains unclear.

NM_006904.7(PRKDC):c.2537T>C (p.Ile846Thr)

Gene: PRKDC (protein kinase, DNA-activated, catalytic subunit; minus strand). Cytogenetic location: 8q11.21.
Variant type: single nucleotide variant.
Coding change: c.2537T>C on transcript NM_006904.7 (MANE Select); coding-DNA position 2537, T replaced by C.
Protein change: p.Ile846Thr; replaces isoleucine 846 with threonine.
Molecular consequence: missense variant.
Genome position (GRCh38, 1-based): chr8:47,915,408, A>G on the plus strand (T>C on the coding strand, the complement: PRKDC is on the minus strand). VCF-style: chr8-47915408-A-G. GRCh37 (hg19) VCF-style: chr8-48827968-A-G.
Other names: c.2537T>C, p.Ile846Thr (NM_001081640.2); short protein forms I846T.
Identifiers: ClinVar variation 3425403 (VCV003425403.1).